The following is an entry in ClinVar:

NM_152564.5(VPS13B):c.11793_11841dup (p.Ser3948fs)

Gene: VPS13B (vacuolar protein sorting 13 homolog B; plus strand). Cytogenetic location: 8q22.2.
Variant type: Duplication.
Coding change: c.11793_11841dup on transcript NM_152564.5 (MANE Select); coding-DNA positions 11793 to 11841, 49 bases duplicated.
Protein change: p.Ser3948fs; shifts the reading frame from serine 3948.
Molecular consequence: frameshift variant.
Genome position (GRCh38, 1-based): chr8:99,875,465-99,875,513, 49 bases duplicated; duplicating any 49 consecutive bases within chr8:99,875,463-99,875,513 gives the same sequence; the c. name uses the placement nearest the transcript's 3' end. GRCh37 (hg19): chr8:100,887,693-100,887,741.
Other names: c.11868_11916dup, p.Ser3973fs (NM_017890.5); c.11793_11841dup49 (NM_152564.4); short protein forms S3973fs, S3948fs.
Identifiers: ClinVar variation 4991531 (VCV004991531.1).
Genomic context (GRCh38, chr8:99,875,462, plus strand): 5'-TATTTTTGGATCCTAGGTAGATGGAGTCCGAGAGAGACTGTCAGAGCAACAGTACAACAG[A>ACTGGTGGACTACATCACAAAGACATCTTGTCACCTGGCCCCCAGCTGTT]CTGGTGGACTACATCACAAAGACATCTTGTCACCTGGCCCCCAGCTGTTCTTCCATGCAA-3'

ClinVar aggregate classification (germline): Likely pathogenic (1 of 4 stars; one submission).

Conditions:
VPS13B-related disorder. Also called: VPS13B-related condition.

Submission:

PreventionGenetics, part of Exact Sciences
Classification: Likely pathogenic for VPS13B-related condition. Last evaluated: 2026-01-20. Review status: criteria provided, single submitter. Criteria: ACMG Guidelines, 2015. Collection method: clinical testing. Allele origin: germline.
Comment: The VPS13B c.11793_11841dup49 variant is predicted to result in a frameshift and premature protein termination (p.Ser3948Glyfs*35). To our knowledge, this variant has not been reported in the literature or in a large population database (gnomAD), indicating this variant is rare. Frameshift variants in VPS13B are expected to be pathogenic. This variant is within the last exon and may not result in nonsense mediated decay, however downstream loss-of-function variants have been reported to be causative. This variant is interpreted as likely pathogenic.